The following is an entry in ClinVar:

ClinVar aggregate classification (germline): Uncertain significance. Review status: criteria provided, multiple submitters, no conflicts (2 of 4 stars). 2 submissions from 2 submitters: Uncertain significance (2). Last evaluated 2023-09-25.

Conditions:
Hereditary cancer-predisposing syndrome. Also called: Neoplastic Syndromes, Hereditary; Hereditary Cancer Syndrome; Tumor predisposition; Hereditary neoplastic syndrome. Identifiers: Orphanet 140162, MedGen C0027672, MeSH D009386, MONDO:0015356.

Submissions (2):

Ambry Genetics
Classification: Uncertain significance for Hereditary cancer-predisposing syndrome. Last evaluated: 2023-09-25. Review status: criteria provided, single submitter. Criteria: Ambry Variant Classification Scheme 2023. Collection method: clinical testing. Allele origin: germline.
Comment: The p.W3191S variant (also known as c.9572G>C), located in coding exon 25 of the BRCA2 gene, results from a G to C substitution at nucleotide position 9572. The tryptophan at codon 3191 is replaced by serine, an amino acid with highly dissimilar properties. This amino acid position is not well conserved in available vertebrate species. In addition, this alteration is predicted to be tolerated by in silico analysis. Since supporting evidence is limited at this time, the clinical significance of this alteration remains unclear.

Quest Diagnostics Nichols Institute San Juan Capistrano
Classification: Uncertain significance. Last evaluated: 2020-08-18. Review status: criteria provided, single submitter. Criteria: Quest Diagnostics criteria. Collection method: clinical testing. Allele origin: unknown.

NM_000059.4(BRCA2):c.9572G>C (p.Trp3191Ser)

Gene: BRCA2 (BRCA2 DNA repair associated; plus strand). Cytogenetic location: 13q13.1.
Variant type: single nucleotide variant.
Coding change: c.9572G>C on transcript NM_000059.4 (MANE Select); coding-DNA position 9572, G replaced by C.
Protein change: p.Trp3191Ser; replaces tryptophan 3191 with serine.
Molecular consequence: missense variant.
Genome position (GRCh38, 1-based): chr13:32,396,968, G>C. VCF-style: chr13-32396968-G-C. GRCh37 (hg19) VCF-style: chr13-32971105-G-C.
Other names: short protein forms W3191S.
Identifiers: ClinVar variation 993181 (VCV000993181.2), dbSNP rs397508063, ClinGen allele CA387763360.